The following is an entry in ClinVar:

ClinVar aggregate classification (germline): Uncertain significance (1 of 4 stars; one submission).

Conditions:
Encephalopathy, acute, infection-induced (herpes-specific), susceptibility to, 1. Also called: Herpes simplex encephalitis, susceptibility to, 1. Identifiers: Orphanet 1930, MedGen C2750180, MONDO:0024563, OMIM 610551.

Allele frequency attached by ClinVar (database versions not stated): gnomAD exomes below 0.00001; gnomAD 0.00001.

Submission:

Labcorp Genetics (formerly Invitae), Labcorp
Classification: Uncertain significance for Encephalopathy, acute, infection-induced (herpes-specific), susceptibility to, 1. Last evaluated: 2022-12-06. Review status: criteria provided, single submitter. Criteria: Invitae Variant Classification Sherloc (09022015). Collection method: clinical testing. Allele origin: germline.
Comment: This variant has not been reported in the literature in individuals affected with UNC93B1-related conditions. Experimental studies and prediction algorithms are not available or were not evaluated, and the functional significance of this variant is currently unknown. In summary, the available evidence is currently insufficient to determine the role of this variant in disease. Therefore, it has been classified as a Variant of Uncertain Significance. This variant is not present in population databases (gnomAD no frequency). This sequence change replaces proline, which is neutral and non-polar, with leucine, which is neutral and non-polar, at codon 582 of the UNC93B1 protein (p.Pro582Leu).

NM_030930.4(UNC93B1):c.1745C>T (p.Pro582Leu)

Gene: UNC93B1 (unc-93B1 regulator of TLR signaling; minus strand). Cytogenetic location: 11q13.2.
Variant type: single nucleotide variant.
Coding change: c.1745C>T on transcript NM_030930.4 (MANE Select); coding-DNA position 1745, C replaced by T.
Protein change: p.Pro582Leu; replaces proline 582 with leucine.
Molecular consequence: missense variant.
Genome position (GRCh38, 1-based): chr11:67,991,595, G>A on the plus strand (C>T on the coding strand, the complement: UNC93B1 is on the minus strand). VCF-style: chr11-67991595-G-A. GRCh37 (hg19) VCF-style: chr11-67759066-G-A.
Other names: short protein forms P582L.
Identifiers: ClinVar variation 2150825 (VCV002150825.3), dbSNP rs1286608429, ClinGen allele CA381566817.